The following is an entry in ClinVar:

ClinVar aggregate classification (germline): Uncertain significance (1 of 4 stars; one submission).

Conditions:
Peroxisome biogenesis disorder 2B (PBD2B). Identifiers: Orphanet 44, MedGen C3550234, MONDO:0008736, OMIM 202370.

Allele frequency attached by ClinVar (database versions not stated): gnomAD exomes below 0.00001; TOPMed 0.00001.
gnomAD v4.1: 6 of 1,614,196 alleles (0.00037%); highest among the groups gnomAD compares: South Asian, 0.0011%; no homozygotes.

Submission:

Labcorp Genetics (formerly Invitae), Labcorp
Classification: Uncertain significance for Peroxisome biogenesis disorder 2B. Last evaluated: 2022-06-04. Review status: criteria provided, single submitter. Criteria: Invitae Variant Classification Sherloc (09022015). Collection method: clinical testing. Allele origin: germline.
Comment: This sequence change replaces arginine, which is basic and polar, with glutamine, which is neutral and polar, at codon 557 of the PEX5 protein (p.Arg557Gln). This variant is present in population databases (no rsID available, gnomAD 0.004%). This variant has not been reported in the literature in individuals affected with PEX5-related conditions. Algorithms developed to predict the effect of missense changes on protein structure and function (SIFT, PolyPhen-2, Align-GVGD) all suggest that this variant is likely to be disruptive. Algorithms developed to predict the effect of sequence changes on RNA splicing suggest that this variant may create or strengthen a splice site. In summary, the available evidence is currently insufficient to determine the role of this variant in disease. Therefore, it has been classified as a Variant of Uncertain Significance.

NM_001351132.2(PEX5):c.1670G>A (p.Arg557Gln)

Gene: PEX5 (peroxisomal biogenesis factor 5; plus strand). Cytogenetic location: 12p13.31.
Variant type: single nucleotide variant.
Coding change: c.1670G>A on transcript NM_001351132.2 (MANE Select); coding-DNA position 1670, G replaced by A.
Protein change: p.Arg557Gln; replaces arginine 557 with glutamine.
Molecular consequence: missense variant.
Genome position (GRCh38, 1-based): chr12:7,209,792, G>A. VCF-style: chr12-7209792-G-A. GRCh37 (hg19) VCF-style: chr12-7362388-G-A.
Other names: c.1646G>A, p.Arg549Gln (NM_000319.5); c.1715G>A, p.Arg572Gln (NM_001131023.2); c.1559G>A, p.Arg520Gln (NM_001131024.2, NM_001351124.3, NM_001351126.2 and 7 more transcripts); c.1670G>A, p.Arg557Gln (NM_001131025.2, NM_001131026.2, NM_001300789.3 and 4 more transcripts); c.1604G>A, p.Arg535Gln (NM_001351135.3, NM_001351138.2); c.1661G>A, p.Arg554Gln (NM_001351136.2); c.1535G>A, p.Arg512Gln (NM_001351139.2, NM_001351140.2, NM_001374649.2); short protein forms R549Q, R512Q, R535Q, R557Q, R520Q, R554Q, R572Q.
Identifiers: ClinVar variation 2077575 (VCV002077575.1), dbSNP rs1323103751, ClinGen allele CA383738439.